The following is an entry in ClinVar:

NM_006904.7(PRKDC):c.397A>C (p.Lys133Gln)

Gene: PRKDC (protein kinase, DNA-activated, catalytic subunit; minus strand). Cytogenetic location: 8q11.21.
Variant type: single nucleotide variant.
Coding change: c.397A>C on transcript NM_006904.7 (MANE Select); coding-DNA position 397, A replaced by C.
Protein change: p.Lys133Gln; replaces lysine 133 with glutamine.
Molecular consequence: missense variant.
Genome position (GRCh38, 1-based): chr8:47,955,876, T>G on the plus strand (A>C on the coding strand, the complement: PRKDC is on the minus strand). VCF-style: chr8-47955876-T-G. GRCh37 (hg19) VCF-style: chr8-48868436-T-G.
Other names: c.397A>C, p.Lys133Gln (NM_001081640.2); short protein forms K133Q.
Identifiers: ClinVar variation 1462913 (VCV001462913.6), dbSNP rs2154504672, ClinGen allele CA371140172.

ClinVar aggregate classification (germline): Uncertain significance (1 of 4 stars; one submission).

Conditions:
Severe combined immunodeficiency due to DNA-PKcs deficiency. Also called: Immunodeficiency 26 with or without neurologic abnormalities; IMMUNODEFICIENCY 26 WITH NEUROLOGIC ABNORMALITIES. Identifiers: Orphanet 317425, MedGen C4014833, MONDO:0014423, OMIM 615966.

Submission:

Labcorp Genetics (formerly Invitae), Labcorp
Classification: Uncertain significance for Severe combined immunodeficiency due to DNA-PKcs deficiency. Last evaluated: 2021-10-22. Review status: criteria provided, single submitter. Criteria: Invitae Variant Classification Sherloc (09022015). Collection method: clinical testing. Allele origin: germline.
Comment: In summary, the available evidence is currently insufficient to determine the role of this variant in disease. Therefore, it has been classified as a Variant of Uncertain Significance. Experimental studies and prediction algorithms are not available or were not evaluated, and the functional significance of this variant is currently unknown. This variant has not been reported in the literature in individuals affected with PRKDC-related conditions. This variant is not present in population databases (ExAC no frequency). This sequence change replaces lysine with glutamine at codon 133 of the PRKDC protein (p.Lys133Gln). The lysine residue is highly conserved and there is a small physicochemical difference between lysine and glutamine.